The following is an entry in ClinVar:

NM_198253.3(TERT):c.2045_2046delinsTT (p.Gly682Val)

Gene: TERT (telomerase reverse transcriptase; minus strand). Cytogenetic location: 5p15.33.
Variant type: Indel.
Coding change: c.2045_2046delinsTT on transcript NM_198253.3 (MANE Select); coding-DNA positions 2045 to 2046, GC replaced by TT.
Protein change: p.Gly682Val; replaces glycine 682 with valine.
Molecular consequence: missense variant. On other transcripts: non-coding transcript variant (2).
Genome position (GRCh38, 1-based): chr5:1,279,375-1,279,376, GC replaced by AA on the plus strand (GC replaced by TT on the coding strand, the reverse complement: TERT is on the minus strand). VCF-style: chr5-1279375-GC-AA. GRCh37 (hg19) VCF-style: chr5-1279490-GC-AA.
Other names: c.2045_2046delinsTT, p.Gly682Val (NM_001193376.3); short protein forms G682V.
Identifiers: ClinVar variation 4879728 (VCV004879728.1).

ClinVar aggregate classification (germline): Uncertain significance (1 of 4 stars; one submission).

Conditions:
Pulmonary fibrosis and/or bone marrow failure, Telomere-related, 1. Also called: PULMONARY FIBROSIS AND/OR BONE MARROW FAILURE SYNDROME, TELOMERE-RELATED, 1. Identifiers: Orphanet 88, MedGen C3553617, MONDO:0013878, OMIM 614742.

Submission:

Victorian Clinical Genetics Services, Murdoch Childrens Research Institute
Classification: Uncertain significance for Pulmonary fibrosis and/or bone marrow failure, Telomere-related, 1. Last evaluated: 2026-06-23. Review status: criteria provided, single submitter. Criteria: ACMG Guidelines, 2015. Collection method: clinical testing. Allele origin: germline. Affected: yes.
Comment: This variant is classified as VUS-3A. Evidence in support of pathogenic classification: Variant is absent from gnomAD (v2, v3 and v4); Another missense variant comparable to the one identified in this case has limited previous evidence for pathogenicity. p.(Gly682Asp) has been reported once in an individual with aplastic anaemia (PMID: 16627250). p.(Gly682Ser) and p.(Gly682Arg) have been reported once each as VUS by clinical laboratories in ClinVar; Variant is located in the well-established functional motif 3 within the reverse transcriptase domain. Mutagenesis studies demonstrated that changes at this residue p.(Gly682Ala), p.(Gly682Glu) and p.(Gly682Asp), all resulted in reduced processivity and telomerase activity (PMID: 28495680, PMID: 20044353); Missense variant predicted to be damaging by in silico tool(s) or highly conserved with a major amino acid change. Additional information: Variant is predicted to result in a missense amino acid change from Gly to Val; This variant is heterozygous; This gene is associated with both recessive and dominant disease. No specific genotype-phenotype correlations have been established (PMID: 20301779); This variant has no previous evidence of pathogenicity; No published evidence of segregation with disease has been identified for this variant; No published functional evidence has been identified for this variant; Loss of function is a known mechanism of disease in this gene and is associated with autosomal dominant dyskeratosis congenita 2, autosomal recessive dyskeratosis congenita 4 (MIM#613989), and telomere-related pulmonary fibrosis and/or bone marrow failure 1 (MIM#614742); Variants in this gene are known to have variable expressivity. Phenotypic variability is well reported for dyskeratosis congenita (OMIM, PMID: 20301779); Inheritance information for this variant is not currently available in this individual.

Literature cited by the submitters: PubMed 20044353; PubMed 28495680; PubMed 16627250; PubMed 20301779.